The following is an entry in ClinVar:

ClinVar aggregate classification (germline): Likely benign. Review status: criteria provided, single submitter (1 of 4 stars). 2 submissions from 2 submitters: Likely benign (1). 1 of the submissions does not count toward it. Last evaluated 2023-05-15.

Conditions:
L1CAM-related disorder. Also called: L1CAM-related condition.
Spastic paraplegia. Identifiers: MedGen C0037772, HP:0001258.

Allele frequency attached by ClinVar (database versions not stated): TOPMed 0.00003.

Submissions (2):

Labcorp Genetics (formerly Invitae), Labcorp
Classification: Likely benign for Spastic paraplegia. Last evaluated: 2023-05-15. Review status: criteria provided, single submitter. Criteria: Invitae Variant Classification Sherloc (09022015). Collection method: clinical testing. Allele origin: germline.

PreventionGenetics, part of Exact Sciences
Classification: Likely benign for L1CAM-related condition. Last evaluated: 2023-02-20. Review status: no assertion criteria provided. Collection method: clinical testing. Allele origin: germline. Not counted in ClinVar's aggregate classification.
Comment: This variant is classified as likely benign based on ACMG/AMP sequence variant interpretation guidelines (Richards et al. 2015 PMID: 25741868, with internal and published modifications).

NM_001278116.2(L1CAM):c.735C>T (p.Pro245=)

Gene: L1CAM (L1 cell adhesion molecule; minus strand). Cytogenetic location: Xq28.
Variant type: single nucleotide variant.
Coding change: c.735C>T on transcript NM_001278116.2 (MANE Select); coding-DNA position 735, C replaced by T.
Protein change: p.Pro245=; no amino-acid change (proline 245 retained).
Molecular consequence: synonymous variant.
Genome position (GRCh38, 1-based): chrX:153,870,459, G>A on the plus strand (C>T on the coding strand, the complement: L1CAM is on the minus strand). VCF-style: chrX-153870459-G-A. GRCh37 (hg19) VCF-style: chrX-153135914-G-A.
Other names: c.735C>T (NM_000425.4); c.735C>T, p.Pro245= (NM_000425.5, NM_024003.3); c.720C>T, p.Pro240= (NM_001143963.2).
Identifiers: ClinVar variation 2721322 (VCV002721322.5), dbSNP rs1244953571, ClinGen allele CA519209159.